The following is an entry in ClinVar:

ClinVar aggregate classification (germline): Pathogenic (1 of 4 stars; one submission).

Submission:

Labcorp Genetics (formerly Invitae), Labcorp
Classification: Pathogenic. Last evaluated: 2023-04-07. Review status: criteria provided, single submitter. Criteria: Invitae Variant Classification Sherloc (09022015). Collection method: clinical testing. Allele origin: germline.
Comment: Algorithms developed to predict the effect of sequence changes on RNA splicing suggest that this variant may disrupt the consensus splice site. For these reasons, this variant has been classified as Pathogenic. Disruption of this splice site has been observed in individual(s) with retinitis pigmentosa (PMID: 25491159, 33946315). In at least one individual the data is consistent with being in trans (on the opposite chromosome) from a pathogenic variant. It has also been observed to segregate with disease in related individuals. This variant is not present in population databases (gnomAD no frequency). This sequence change affects a donor splice site in intron 14 of the EYS gene. It is expected to disrupt RNA splicing. Variants that disrupt the donor or acceptor splice site typically lead to a loss of protein function (PMID: 16199547), and loss-of-function variants in EYS are known to be pathogenic (PMID: 18836446, 20333770).

Literature cited by the submitters: PubMed 25491159; PubMed 33946315; PubMed 16199547; PubMed 18836446; PubMed 20333770.

NM_001142800.2(EYS):c.2259+1G>T

Gene: EYS (EGF-like photoreceptor maintenance factor; minus strand). Cytogenetic location: 6q12.
Variant type: single nucleotide variant.
Coding change: c.2259+1G>T on transcript NM_001142800.2 (MANE Select); the canonical splice donor site of the intron after coding-DNA position 2259, G replaced by T.
Molecular consequence: splice donor variant.
Genome position (GRCh38, 1-based): chr6:64,997,581, C>A on the plus strand (G>T on the coding strand, the complement: EYS is on the minus strand). VCF-style: chr6-64997581-C-A. GRCh37 (hg19) VCF-style: chr6-65707474-C-A.
Other names: c.2259+1G>T (NM_001292009.2).
Identifiers: ClinVar variation 2780091 (VCV002780091.3), dbSNP rs752736741, ClinGen allele CA364788304.